The following is an entry in ClinVar:

ClinVar aggregate classification (germline): Pathogenic (1 of 4 stars; one submission).

Conditions:
Hereditary breast ovarian cancer syndrome. Also called: Hereditary breast and/or ovarian cancer syndrome; BRCA1- and BRCA2-Associated Hereditary Breast and Ovarian Cancer; Breast and ovarian cancer; Hereditary breast and ovarian cancer; Hereditary breast and ovarian cancer syndrome (HBOC); Hereditary breast and ovarian cancer syndrome. Identifiers: Orphanet 145, MedGen C0677776, MeSH D061325, MONDO:0003582. Disease mechanism: loss of function.

Submission:

Labcorp Genetics (formerly Invitae), Labcorp
Classification: Pathogenic for Hereditary breast ovarian cancer syndrome. Last evaluated: 2022-09-23. Review status: criteria provided, single submitter. Criteria: Invitae Variant Classification Sherloc (09022015). Collection method: clinical testing. Allele origin: germline.
Comment: This sequence change creates a premature translational stop signal (p.Thr363Asnfs*2) in the BRCA2 gene. It is expected to result in an absent or disrupted protein product. Loss-of-function variants in BRCA2 are known to be pathogenic (PMID: 20104584). This variant is not present in population databases (gnomAD no frequency). This variant has not been reported in the literature in individuals affected with BRCA2-related conditions. For these reasons, this variant has been classified as Pathogenic.

Literature cited by the submitters: PubMed 20104584.

NM_000059.4(BRCA2):c.1087dup (p.Thr363fs)

Gene: BRCA2 (BRCA2 DNA repair associated; plus strand). Cytogenetic location: 13q13.1.
Variant type: Duplication.
Coding change: c.1087dup on transcript NM_000059.4 (MANE Select); coding-DNA position 1087, one base duplicated (A; older notation c.1087dupA).
Protein change: p.Thr363fs; shifts the reading frame from threonine 363.
Molecular consequence: frameshift variant.
Genome position (GRCh38, 1-based): chr13:32,332,565, A duplicated. VCF-style (leftmost placement, unchanged base first): chr13-32332564-T-TA. GRCh37 (hg19) VCF-style: chr13-32906701-T-TA.
Other names: c.1087dup, p.Thr363Asnfs (NM_001406719.1, NM_001406720.1, NM_001406721.1); short protein forms T363fs.
Identifiers: ClinVar variation 2032073 (VCV002032073.4), dbSNP rs2548519507, ClinGen allele CA2580086919.